The following is an entry in ClinVar:

NM_033380.3(COL4A5):c.3079G>A (p.Gly1027Arg)

Gene: COL4A5 (collagen type IV alpha 5 chain; plus strand). Cytogenetic location: Xq22.3.
Variant type: single nucleotide variant.
Coding change: c.3079G>A on transcript NM_033380.3 (MANE Select); coding-DNA position 3079, G replaced by A.
Protein change: p.Gly1027Arg; replaces glycine 1027 with arginine.
Molecular consequence: missense variant.
Genome position (GRCh38, 1-based): chrX:108,625,767, G>A. VCF-style: chrX-108625767-G-A. GRCh37 (hg19) VCF-style: chrX-107868997-G-A.
Other names: c.3079G>A, p.Gly1027Arg (NM_000495.5); short protein forms G1027R.
Identifiers: ClinVar variation 1067288 (VCV001067288.9), dbSNP rs2147872254, ClinGen allele CA413854685.
Genomic context (GRCh38, chrX:108,625,767, plus strand): 5'-CCCAAAGGTAACCCTGGTCTCCCTGGACAGCCAGGTCTTATAGGACCTCCTGGACTTAAA[G>A]GAACCATCGGTGATATGGGTTTTCCAGGTGAGTGATGAAAATCTTCCAAATATTTAGTCC-3'
Protein context (NP_203699.1, residues 1017-1037): PGLIGPPGLK[Gly1027Arg]TIGDMGFPGP

ClinVar aggregate classification (germline): Likely pathogenic (1 of 4 stars; one submission).

Submission:

Labcorp Genetics (formerly Invitae), Labcorp
Classification: Likely pathogenic. Last evaluated: 2020-10-26. Review status: criteria provided, single submitter. Criteria: Invitae Variant Classification Sherloc (09022015). Collection method: clinical testing. Allele origin: germline.
Comment: This variant has not been reported in the literature in individuals with COL4A5-related conditions. In summary, the currently available evidence indicates that the variant is pathogenic, but additional data are needed to prove that conclusively. Therefore, this variant has been classified as Likely Pathogenic. This variant disrupts the triple helix domain of COL4A5. Glycine residues within the Gly-Xaa-Yaa repeats of the triple helix domain are required for the structure and stability of fibrillar collagens (PMID: 7695699, 8218237, 19344236). In COL4A5, missense variants at these glycine residues are significantly enriched in individuals with disease (PMID: 23720012, 27627812) compared to the general population (ExAC). Algorithms developed to predict the effect of sequence changes on RNA splicing suggest that this variant may create or strengthen a splice site, but this prediction has not been confirmed by published transcriptional studies. Advanced modeling of protein sequence and biophysical properties (such as structural, functional, and spatial information, amino acid conservation, physicochemical variation, residue mobility, and thermodynamic stability) performed at Invitae indicates that this missense variant is expected to disrupt COL4A5 protein function. This variant is not present in population databases (ExAC no frequency). This sequence change replaces glycine with arginine at codon 1027 of the COL4A5 protein (p.Gly1027Arg). The glycine residue is highly conserved and there is a moderate physicochemical difference between glycine and arginine.

Literature cited by the submitters: PubMed 7695699; PubMed 8218237; PubMed 19344236; PubMed 23720012; PubMed 27627812.